The following is an entry in ClinVar:

ClinVar aggregate classification (germline): Uncertain significance (1 of 4 stars; one submission).

Conditions:
Cardiomyopathy (CMYO). Also called: Cardiomyopathies. Identifiers: Orphanet 167848, MedGen C0878544, MONDO:0004994, HP:0001638. Inheritance: Various modes of inheritance.

gnomAD v4.1: 2 of 1,614,118 alleles (0.00012%); highest among the groups gnomAD compares: Non-Finnish European, 0.00017%; no homozygotes.

Submission:

Color Diagnostics, LLC DBA Color Health
Classification: Uncertain significance for Cardiomyopathy. Last evaluated: 2019-05-07. Review status: criteria provided, single submitter. Criteria: ACMG Guidelines, 2015. Collection method: clinical testing. Allele origin: germline.
Comment: This missense variant replaces aspartic acid with histidine at codon 875 of the DSP protein. Computational prediction tools and conservation analyses are inconclusive regarding the impact of this variant on the protein function. Computational splicing tools suggest that this variant may not impact RNA splicing. To our knowledge, functional assays have not been performed for this variant nor has this variant been reported in individuals affected with cardiovascular disorders in the literature. This variant has not been identified in the general population by the Genome Aggregation Database (gnomAD). Available evidence is insufficient to determine the role of this variant in disease conclusively. Therefore, this variant is classified as a Variant of Uncertain Significance.

NM_004415.4(DSP):c.2623G>C (p.Asp875His)

Gene: DSP (desmoplakin; plus strand). Cytogenetic location: 6p24.3.
Variant type: single nucleotide variant.
Coding change: c.2623G>C on transcript NM_004415.4 (MANE Select); coding-DNA position 2623, G replaced by C.
Protein change: p.Asp875His; replaces aspartic acid 875 with histidine.
Molecular consequence: missense variant.
Genome position (GRCh38, 1-based): chr6:7,575,481, G>C. VCF-style: chr6-7575481-G-C. GRCh37 (hg19) VCF-style: chr6-7575714-G-C.
Other names: c.2623G>C, p.Asp875His (NM_001008844.3, NM_001319034.2); short protein forms D875H.
Identifiers: ClinVar variation 921356 (VCV000921356.3), dbSNP rs200338012, ClinGen allele CA133963430.